The following is an entry in ClinVar:

ClinVar aggregate classification (germline): Uncertain significance (1 of 4 stars; one submission).

Submission:

Labcorp Genetics (formerly Invitae), Labcorp
Classification: Uncertain significance. Last evaluated: 2024-10-21. Review status: criteria provided, single submitter. Criteria: Invitae Variant Classification Sherloc (09022015). Collection method: clinical testing. Allele origin: germline.
Comment: This sequence change falls in intron 23 of the ANKRD26 gene. It does not directly change the encoded amino acid sequence of the ANKRD26 protein. It affects a nucleotide within the consensus splice site. This variant is not present in population databases (gnomAD no frequency). This variant has not been reported in the literature in individuals affected with ANKRD26-related conditions. Variants that disrupt the consensus splice site are a relatively common cause of aberrant splicing (PMID: 17576681, 9536098). Algorithms developed to predict the effect of sequence changes on RNA splicing suggest that this variant may disrupt the consensus splice site. In summary, the available evidence is currently insufficient to determine the role of this variant in disease. Therefore, it has been classified as a Variant of Uncertain Significance.

Literature cited by the submitters: PubMed 17576681; PubMed 9536098.

NM_014915.3(ANKRD26):c.2697+3A>G

Gene: ANKRD26 (ankyrin repeat domain 26; minus strand). Cytogenetic location: 10p12.1.
Variant type: single nucleotide variant.
Coding change: c.2697+3A>G on transcript NM_014915.3 (MANE Select); 3 bases into the intron after coding-DNA position 2697, A replaced by G.
Molecular consequence: intron variant.
Genome position (GRCh38, 1-based): chr10:27,037,183, T>C on the plus strand (A>G on the coding strand, the complement: ANKRD26 is on the minus strand). VCF-style: chr10-27037183-T-C. GRCh37 (hg19) VCF-style: chr10-27326112-T-C.
Other names: c.2694+3A>G (NM_001256053.2).
Identifiers: ClinVar variation 3614226 (VCV003614226.2).
Genomic context (GRCh38, chr10:27,037,183, plus strand): 5'-ATATATACACATATAAATACATATACACACATATTTGAAAATGACTAAAGGAAATAGAAA[T>C]ACCTCAGAATTCATTTTCTTTTGAGCCATTTCAATCTCCTTTTGTTTGGAAAGGTGATTG-3'